The following is an entry in ClinVar:

ClinVar aggregate classification (germline): Uncertain significance. Review status: criteria provided, single submitter (1 of 4 stars). 2 submissions from 2 submitters: Uncertain significance (1). 1 of the submissions does not count toward it. Last evaluated 2021-07-14.

Conditions:
Inborn genetic diseases. Identifiers: MedGen C0950123, MeSH D030342.
Parenti-mignot neurodevelopmental syndrome. Identifiers: MedGen C5676984, MONDO:0859249, OMIM 619873.

Allele frequency attached by ClinVar (database versions not stated): ESP Exome Variant Server 0.00008; ExAC 0.00009; TOPMed 0.00012; gnomAD 0.00013; gnomAD exomes 0.00017.
gnomAD v4.1: 261 of 1,612,348 alleles (0.016%); highest among the groups gnomAD compares: Non-Finnish European, 0.02%; no homozygotes.

Submissions (2):

Ambry Genetics
Classification: Uncertain significance for Inborn genetic diseases. Last evaluated: 2021-07-14. Review status: criteria provided, single submitter. Criteria: Ambry Variant Classification Scheme 2023. Collection method: clinical testing. Allele origin: germline.

Diagnostics Centre, Carl Von Ossietzky University Oldenburg
Classification: Uncertain significance for Parenti-mignot neurodevelopmental syndrome. Last evaluated: 2025-01-23. Review status: no assertion criteria provided. Collection method: clinical testing. Allele origin: germline. Affected: yes. Observed: 1 variant allele. Not counted in ClinVar's aggregate classification.
Comment: The variant CHD5: c.2267C>T p.(Ala756Val), located in the coding exon 15 of CHD5 gene, results from a cytosine to thymine substitution at nucleotide position c.2267. The alanine residue at protein position 756 is replaced by a valine, an amino acid with similar biochemical properties. In silico tools predict a deleterious effect in the protein structure/function (REVEL = 0.68). The variant has been classified as variant of uncertain significance in one entry in ClinVar (ClinVar ID: 2224371). This variant is classified as rare in the overall population (MAF 1,6 * e-4 in gnomAD, v4.1.0). In summary, the variant is classified as variant of uncertain significance.

NM_015557.3(CHD5):c.2267C>T (p.Ala756Val)

Gene: CHD5 (chromodomain helicase DNA binding protein 5; minus strand). Cytogenetic location: 1p36.31.
Variant type: single nucleotide variant.
Coding change: c.2267C>T on transcript NM_015557.3 (MANE Select); coding-DNA position 2267, C replaced by T.
Protein change: p.Ala756Val; replaces alanine 756 with valine.
Molecular consequence: missense variant.
Genome position (GRCh38, 1-based): chr1:6,142,297, G>A on the plus strand (C>T on the coding strand, the complement: CHD5 is on the minus strand). VCF-style: chr1-6142297-G-A. GRCh37 (hg19) VCF-style: chr1-6202357-G-A.
Other names: short protein forms A756V.
Identifiers: ClinVar variation 2224371 (VCV002224371.3), dbSNP rs144145989, ClinGen allele CA556797.